The following is an entry in ClinVar:

ClinVar aggregate classification (germline): Uncertain significance (1 of 4 stars; one submission).

Conditions:
VPS13B-related disorder. Also called: VPS13B-related condition.

Submission:

PreventionGenetics, part of Exact Sciences
Classification: Uncertain significance for VPS13B-related condition. Last evaluated: 2025-08-14. Review status: criteria provided, single submitter. Criteria: ACMG Guidelines, 2015. Collection method: clinical testing. Allele origin: germline.
Comment: The VPS13B c.2536G>T variant is predicted to result in the amino acid substitution p.Ala846Ser. To our knowledge, this variant has not been reported in the literature or in a large population database (gnomAD), indicating this variant is rare. At this time, the clinical significance of this variant is uncertain due to the absence of conclusive functional and genetic evidence.

NM_152564.5(VPS13B):c.2515+16555G>T

Gene: VPS13B (vacuolar protein sorting 13 homolog B; plus strand). Cytogenetic location: 8q22.2.
Variant type: single nucleotide variant.
Coding change: c.2515+16555G>T on transcript NM_152564.5 (MANE Select); 16555 bases into the intron after coding-DNA position 2515, G replaced by T.
Molecular consequence: intron variant. On other transcripts: missense variant (1).
Genome position (GRCh38, 1-based): chr8:99,209,612, G>T. VCF-style: chr8-99209612-G-T. GRCh37 (hg19) VCF-style: chr8-100221840-G-T.
Other names: c.2536G>T, p.Ala846Ser (NM_015243.3); c.2515+16555G>T (NM_017890.5); short protein forms A846S.
Identifiers: ClinVar variation 4988302 (VCV004988302.1).